The following is an entry in ClinVar:

ClinVar aggregate classification (germline): Uncertain significance (1 of 4 stars; one submission).

Conditions:
Juvenile onset Parkinson disease 19A. Also called: PARK19; DNAJC6 Parkinson Disease. Identifiers: Orphanet 391411, MedGen C3809811, MONDO:0014231, OMIM 615528.

gnomAD v4.1: 2 of 1,612,784 alleles (0.00012%); highest among the groups gnomAD compares: Admixed American, 0.0017%; no homozygotes.

Submission:

Labcorp Genetics (formerly Invitae), Labcorp
Classification: Uncertain significance for Juvenile onset Parkinson disease 19A. Last evaluated: 2022-07-14. Review status: criteria provided, single submitter. Criteria: Invitae Variant Classification Sherloc (09022015). Collection method: clinical testing. Allele origin: germline.
Comment: In summary, the available evidence is currently insufficient to determine the role of this variant in disease. Therefore, it has been classified as a Variant of Uncertain Significance. Algorithms developed to predict the effect of sequence changes on RNA splicing suggest that this variant may create or strengthen a splice site. Algorithms developed to predict the effect of missense changes on protein structure and function are either unavailable or do not agree on the potential impact of this missense change (SIFT: "Tolerated"; PolyPhen-2: "Probably Damaging"; Align-GVGD: "Class C0"). This variant has not been reported in the literature in individuals affected with DNAJC6-related conditions. This variant is not present in population databases (gnomAD no frequency). This sequence change replaces leucine, which is neutral and non-polar, with valine, which is neutral and non-polar, at codon 581 of the DNAJC6 protein (p.Leu581Val).

NM_001256864.2(DNAJC6):c.1741C>G (p.Leu581Val)

Gene: DNAJC6 (DnaJ heat shock protein family (Hsp40) member C6; plus strand). Cytogenetic location: 1p31.3.
Variant type: single nucleotide variant.
Coding change: c.1741C>G on transcript NM_001256864.2 (MANE Select); coding-DNA position 1741, C replaced by G.
Protein change: p.Leu581Val; replaces leucine 581 with valine.
Molecular consequence: missense variant.
Genome position (GRCh38, 1-based): chr1:65,392,703, C>G. VCF-style: chr1-65392703-C-G. GRCh37 (hg19) VCF-style: chr1-65858386-C-G.
Other names: c.1531C>G, p.Leu511Val (NM_001256865.2); c.1570C>G, p.Leu524Val (NM_014787.4); short protein forms L511V, L524V, L581V.
Identifiers: ClinVar variation 2103127 (VCV002103127.4), dbSNP rs770718853, ClinGen allele CA340689214.